The following is an entry in ClinVar:

NM_001184.4(ATR):c.796_801del (p.Ala266_Ser267del)

Gene: ATR (ATR checkpoint kinase; minus strand). Cytogenetic location: 3q23.
Variant type: Deletion.
Coding change: c.796_801del on transcript NM_001184.4 (MANE Select); coding-DNA positions 796 to 801, 6 bases deleted (GCTAGC; older notation c.796_801delGCTAGC).
Protein change: p.Ala266_Ser267del.
Molecular consequence: inframe deletion.
Genome position (GRCh38, 1-based): chr3:142,562,601-142,562,606, GCTAGC deleted on the plus strand (GCTAGC on the coding strand, the reverse complement: ATR is on the minus strand). VCF-style (leftmost placement, unchanged base first): chr3-142562600-TGCTAGC-T. GRCh37 (hg19) VCF-style: chr3-142281442-TGCTAGC-T.
Other names: c.796_801del, p.Ala266_Ser267del (NM_001354579.2).
Identifiers: ClinVar variation 1351280 (VCV001351280.8), dbSNP rs2108487664, ClinGen allele CA2573136623.
Genomic context (GRCh38, chr3:142,562,600, plus strand): 5'-ATTGGTCAGTATCCATTTCTACAAGGTGTTTTAATAATTCCAAAAATGAGCTGAAAAAAG[TGCTAGC>T]TGGTTGTGCTGGTAGTCCTCCAAGCTGAAAAAGTTCTGTTAAAAAGCTAATTGCTAGGGA-3'

ClinVar aggregate classification (germline): Uncertain significance (1 of 4 stars; one submission).

Submission:

Labcorp Genetics (formerly Invitae), Labcorp
Classification: Uncertain significance. Last evaluated: 2023-05-28. Review status: criteria provided, single submitter. Criteria: Invitae Variant Classification Sherloc (09022015). Collection method: clinical testing. Allele origin: germline.
Comment: In summary, the available evidence is currently insufficient to determine the role of this variant in disease. Therefore, it has been classified as a Variant of Uncertain Significance. Experimental studies and prediction algorithms are not available or were not evaluated, and the functional significance of this variant is currently unknown. ClinVar contains an entry for this variant (Variation ID: 1351280). This variant has not been reported in the literature in individuals affected with ATR-related conditions. This variant is not present in population databases (gnomAD no frequency). This variant, c.796_801del, results in the deletion of 2 amino acid(s) of the ATR protein (p.Ala266_Ser267del), but otherwise preserves the integrity of the reading frame.